The following is an entry in ClinVar:

ClinVar aggregate classification (germline): Uncertain significance (1 of 4 stars; one submission).

Conditions:
Hereditary spherocytosis type 5. Also called: EPB42-Related Spherocytosis; EPB42-Related Hereditary Spherocytosis. Identifiers: Orphanet 822, MedGen C2675192, MONDO:0012985, OMIM 612690.

Submission:

ARUP Laboratories, Molecular Genetics and Genomics, ARUP Laboratories
Classification: Uncertain significance for Hereditary spherocytosis type 5. Last evaluated: 2024-09-17. Review status: criteria provided, single submitter. Criteria: ARUP Molecular Germline Variant Investigation Process 2024. Collection method: clinical testing. Allele origin: germline.
Comment: The EPB42 c.26G>A; p.Arg9His variant (rs762193595), to our knowledge, is not reported in the medical literature or gene specific databases. This variant is only observed on four alleles in the Genome Aggregation Database (v2.1.1), indicating it is not a common polymorphism. Computational analyses predict that this variant is neutral (REVEL: 0.142). Due to limited information, the clinical significance of this variant is uncertain at this time.

NM_001114134.2(EPB42):c.10+16G>A

Gene: EPB42 (erythrocyte membrane protein band 4.2; minus strand). Cytogenetic location: 15q15.2.
Variant type: single nucleotide variant.
Coding change: c.10+16G>A on transcript NM_001114134.2 (MANE Select); 16 bases into the intron after coding-DNA position 10, G replaced by A.
Molecular consequence: intron variant. On other transcripts: missense variant (1).
Genome position (GRCh38, 1-based): chr15:43,220,800, C>T on the plus strand (G>A on the coding strand, the complement: EPB42 is on the minus strand). VCF-style: chr15-43220800-C-T. GRCh37 (hg19) VCF-style: chr15-43512998-C-T.
Other names: c.26G>A, p.Arg9His (NM_000119.3); short protein forms R9H.
Identifiers: ClinVar variation 3766839 (VCV003766839.1).